The following is an entry in ClinVar:

NM_000079.4(CHRNA1):c.1318A>G (p.Ile440Val)

Gene: CHRNA1 (cholinergic receptor nicotinic alpha 1 subunit; minus strand). Cytogenetic location: 2q31.1.
Variant type: single nucleotide variant.
Coding change: c.1318A>G on transcript NM_000079.4 (MANE Select); coding-DNA position 1318, A replaced by G.
Protein change: p.Ile440Val; replaces isoleucine 440 with valine.
Molecular consequence: missense variant.
Genome position (GRCh38, 1-based): chr2:174,748,180, T>C on the plus strand (A>G on the coding strand, the complement: CHRNA1 is on the minus strand). VCF-style: chr2-174748180-T-C. GRCh37 (hg19) VCF-style: chr2-175612908-T-C.
Other names: c.1393A>G, p.Ile465Val (NM_001039523.3); short protein forms I465V, I440V.
Identifiers: ClinVar variation 1363468 (VCV001363468.8), dbSNP rs1479795714, ClinGen allele CA349333315.

ClinVar aggregate classification (germline): Uncertain significance (1 of 4 stars; one submission).

Conditions:
Lethal multiple pterygium syndrome (LMPS). Identifiers: Orphanet 33108, MedGen C1854678, MONDO:0009668, OMIM 253290.

Allele frequency attached by ClinVar (database versions not stated): TOPMed below 0.00001; gnomAD 0.00001.
gnomAD v4.1: 1 of 1,614,014 alleles (0.000062%); highest among the groups gnomAD compares: Non-Finnish European, 0.000085%; no homozygotes.

Submission:

Labcorp Genetics (formerly Invitae), Labcorp
Classification: Uncertain significance for Lethal multiple pterygium syndrome. Last evaluated: 2021-06-25. Review status: criteria provided, single submitter. Criteria: Invitae Variant Classification Sherloc (09022015). Collection method: clinical testing. Allele origin: germline.
Comment: In summary, the available evidence is currently insufficient to determine the role of this variant in disease. Therefore, it has been classified as a Variant of Uncertain Significance. Advanced modeling of protein sequence and biophysical properties (such as structural, functional, and spatial information, amino acid conservation, physicochemical variation, residue mobility, and thermodynamic stability) performed at Invitae indicates that this missense variant is not expected to disrupt CHRNA1 protein function. This variant has not been reported in the literature in individuals with CHRNA1-related conditions. This variant is not present in population databases (ExAC no frequency). This sequence change replaces isoleucine with valine at codon 440 of the CHRNA1 protein (p.Ile440Val). The isoleucine residue is moderately conserved and there is a small physicochemical difference between isoleucine and valine.